The following is an entry in ClinVar:

ClinVar aggregate classification (germline): Uncertain significance. Review status: criteria provided, multiple submitters, no conflicts (2 of 4 stars). 2 submissions from 2 submitters: Uncertain significance (2). Last evaluated 2023-03-08.

Conditions:
Cardiovascular phenotype. Identifiers: MedGen CN230736.
Hereditary cancer-predisposing syndrome. Also called: Hereditary neoplastic syndrome; Hereditary Cancer Syndrome; Tumor predisposition; Neoplastic Syndromes, Hereditary. Identifiers: Orphanet 140162, MedGen C0027672, MeSH D009386, MONDO:0015356.
Neurofibromatosis, type 1 (NF1). Also called: Neurofibromatosis, type I; Peripheral type neurofibromatosis; VON RECKLINGHAUSEN DISEASE; NEUROFIBROMATOSIS, TYPE I, SOMATIC. Identifiers: Orphanet 636, MedGen C0027831, MONDO:0018975, OMIM 162200. Disease mechanism: loss of function.

Allele frequency attached by ClinVar (database versions not stated): gnomAD exomes below 0.00001; TOPMed below 0.00001.
gnomAD v4.1: 3 of 1,614,072 alleles (0.00019%); highest among the groups gnomAD compares: Non-Finnish European, 0.00025%; no homozygotes.

Submissions (2):

Labcorp Genetics (formerly Invitae), Labcorp
Classification: Uncertain significance for Neurofibromatosis, type 1. Last evaluated: 2023-03-08. Review status: criteria provided, single submitter. Criteria: Invitae Variant Classification Sherloc (09022015). Collection method: clinical testing. Allele origin: germline.
Comment: This sequence change replaces valine, which is neutral and non-polar, with alanine, which is neutral and non-polar, at codon 2778 of the NF1 protein (p.Val2778Ala). This variant is not present in population databases (gnomAD no frequency). In summary, the available evidence is currently insufficient to determine the role of this variant in disease. Therefore, it has been classified as a Variant of Uncertain Significance. Advanced modeling of protein sequence and biophysical properties (such as structural, functional, and spatial information, amino acid conservation, physicochemical variation, residue mobility, and thermodynamic stability) performed at Invitae indicates that this missense variant is not expected to disrupt NF1 protein function. ClinVar contains an entry for this variant (Variation ID: 969110). This variant has not been reported in the literature in individuals affected with NF1-related conditions.

Ambry Genetics
Classification: Uncertain significance for Cardiovascular phenotype; Hereditary cancer-predisposing syndrome. Last evaluated: 2022-04-21. Review status: criteria provided, single submitter. Criteria: Ambry Variant Classification Scheme 2023. Collection method: clinical testing. Allele origin: germline.
Comment: The p.V2778A variant (also known as c.8333T>C), located in coding exon 57 of the NF1 gene, results from a T to C substitution at nucleotide position 8333. The valine at codon 2778 is replaced by alanine, an amino acid with similar properties. This amino acid position is highly conserved in available vertebrate species. In addition, this alteration is predicted to be tolerated by in silico analysis. Since supporting evidence is limited at this time, the clinical significance of this alteration remains unclear.

NM_001042492.3(NF1):c.8396T>C (p.Val2799Ala)

Gene: NF1 (neurofibromin 1; plus strand). Cytogenetic location: 17q11.2.
Variant type: single nucleotide variant.
Coding change: c.8396T>C on transcript NM_001042492.3 (MANE Select); coding-DNA position 8396, T replaced by C.
Protein change: p.Val2799Ala; replaces valine 2799 with alanine.
Molecular consequence: missense variant.
Genome position (GRCh38, 1-based): chr17:31,374,031, T>C. VCF-style: chr17-31374031-T-C. GRCh37 (hg19) VCF-style: chr17-29701049-T-C.
Other names: c.8333T>C, p.Val2778Ala (NM_000267.4); short protein forms V2778A, V2799A.
Identifiers: ClinVar variation 969110 (VCV000969110.9), dbSNP rs2070695501, ClinGen allele CA399205890.